The following is an entry in ClinVar:

NM_001034853.2(RPGR):c.562A>G (p.Ile188Val)

Gene: RPGR (retinitis pigmentosa GTPase regulator; minus strand). Cytogenetic location: Xp11.4.
Variant type: single nucleotide variant.
Coding change: c.562A>G on transcript NM_001034853.2 (MANE Select); coding-DNA position 562, A replaced by G.
Protein change: p.Ile188Val; replaces isoleucine 188 with valine.
Molecular consequence: missense variant. On other transcripts: non-coding transcript variant (5).
Genome position (GRCh38, 1-based): chrX:38,317,373, T>C on the plus strand (A>G on the coding strand, the complement: RPGR is on the minus strand). VCF-style: chrX-38317373-T-C. GRCh37 (hg19) VCF-style: chrX-38176626-T-C.
Other names: c.562A>G, p.Ile188Val (NM_000328.3, NM_001367245.1, NM_001367246.1 and 3 more transcripts); c.592A>G, p.Ile198Val (NM_001367248.1); c.559A>G, p.Ile187Val (NM_001367249.1); short protein forms I188V, I187V, I198V.
Identifiers: ClinVar variation 2021072 (VCV002021072.5), dbSNP rs2519888929, ClinGen allele CA412744625.

ClinVar aggregate classification (germline): Uncertain significance. Review status: criteria provided, multiple submitters, no conflicts (2 of 4 stars). 2 submissions from 2 submitters: Uncertain significance (2). Last evaluated 2022-08-01.

Conditions:
Primary ciliary dyskinesia. Also called: Ciliary dyskinesia. Identifiers: Orphanet 244, MedGen C0008780, MONDO:0016575, HP:0012265.

Submissions (2):

Labcorp Genetics (formerly Invitae), Labcorp
Classification: Uncertain significance for Primary ciliary dyskinesia. Last evaluated: 2022-08-01. Review status: criteria provided, single submitter. Criteria: Invitae Variant Classification Sherloc (09022015). Collection method: clinical testing. Allele origin: germline.
Comment: In summary, the available evidence is currently insufficient to determine the role of this variant in disease. Therefore, it has been classified as a Variant of Uncertain Significance. Algorithms developed to predict the effect of missense changes on protein structure and function output the following: SIFT: "Tolerated"; PolyPhen-2: "Benign"; Align-GVGD: "Class C0". The valine amino acid residue is found in multiple mammalian species, which suggests that this missense change does not adversely affect protein function. This variant has not been reported in the literature in individuals affected with RPGR-related conditions. This variant is not present in population databases (gnomAD no frequency). This sequence change replaces isoleucine, which is neutral and non-polar, with valine, which is neutral and non-polar, at codon 188 of the RPGR protein (p.Ile188Val).

Blueprint Genetics
Classification: Uncertain significance. Last evaluated: 2017-09-27. Review status: criteria provided, single submitter. Criteria: ACMG Guidelines, 2015. Collection method: clinical testing. Allele origin: germline.